The following is an entry in ClinVar:

NM_182961.4(SYNE1):c.780C>T (p.Asp260=)

Gene: SYNE1 (spectrin repeat containing nuclear envelope protein 1; minus strand). Cytogenetic location: 6q25.2.
Variant type: single nucleotide variant.
Coding change: c.780C>T on transcript NM_182961.4 (MANE Select); coding-DNA position 780, C replaced by T.
Protein change: p.Asp260=; no amino-acid change (aspartic acid 260 retained).
Molecular consequence: synonymous variant.
Genome position (GRCh38, 1-based): chr6:152,502,741, G>A on the plus strand (C>T on the coding strand, the complement: SYNE1 is on the minus strand). VCF-style: chr6-152502741-G-A. GRCh37 (hg19) VCF-style: chr6-152823876-G-A.
Other names: c.801C>T, p.Asp267= (NM_033071.5).
Identifiers: ClinVar variation 1570493 (VCV001570493.32), dbSNP rs376480815, ClinGen allele CA4059614.

ClinVar aggregate classification (germline): Likely benign. Review status: criteria provided, multiple submitters, no conflicts (2 of 4 stars). 2 submissions from 2 submitters: Likely benign (2). Last evaluated 2023-06-01.

Conditions:
Autosomal recessive ataxia, Beauce type. Also called: SYNE1 Deficiency; Spinocerebellar ataxia, autosomal recessive 8; ATAXIA, RECESSIVE, OF BEAUCE; SYNE1-Related Autosomal Recessive Cerebellar Ataxia. Identifiers: Orphanet 88644, MedGen C1853116, MONDO:0012549, OMIM 610743.
Emery-Dreifuss muscular dystrophy 4, autosomal dominant (EDMD4). Also called: EMERY-DREIFUSS MUSCULAR DYSTROPHY 4 WITH VARIABLE FEATURES. Identifiers: Orphanet 261, MedGen C2751807, MONDO:0013071, OMIM 612998.

Allele frequency attached by ClinVar (database versions not stated): gnomAD 0.00004 and 0.00005; gnomAD exomes 0.00004; TOPMed 0.00004; ExAC 0.00006; ESP Exome Variant Server 0.00008; 1000 Genomes Project 0.00020; 1000 Genomes Project 30x 0.00031.
gnomAD v4.1: 33 of 1,607,144 alleles (0.0021%); highest among the groups gnomAD compares: African/African-American, 0.011%; no homozygotes.

Submissions (2):

CeGaT Center for Human Genetics Tuebingen
Classification: Likely benign. Last evaluated: 2023-06-01. Review status: criteria provided, single submitter. Criteria: CeGaT Center For Human Genetics Tuebingen Variant Classification Criteria Version 2. Collection method: clinical testing. Allele origin: germline. Affected: yes. Observed: 1 variant allele.
Comment: SYNE1: BP4

Labcorp Genetics (formerly Invitae), Labcorp
Classification: Likely benign for Emery-Dreifuss muscular dystrophy 4, autosomal dominant; Autosomal recessive ataxia, Beauce type. Last evaluated: 2022-03-23. Review status: criteria provided, single submitter. Criteria: Invitae Variant Classification Sherloc (09022015). Collection method: clinical testing. Allele origin: germline.